The following is an entry in ClinVar:

NM_206933.4(USH2A):c.2815del (p.Tyr939fs)

Genes: USH2A (usherin; minus strand), USH2A-AS1 (USH2A antisense RNA 1; plus strand). Cytogenetic location: 1q41.
Variant type: Deletion.
Coding change: c.2815del on transcript NM_206933.4 (MANE Select); coding-DNA position 2815, one base deleted (T; older notation c.2815delT).
Protein change: p.Tyr939fs; shifts the reading frame from tyrosine 939.
Molecular consequence: frameshift variant.
Genome position (GRCh38, 1-based): chr1:216,232,131, A deleted on the plus strand (T on the coding strand, the reverse complement: USH2A is on the minus strand); the first of 5 consecutive A bases (chr1:216,232,131-216,232,135); deleting any one gives the same sequence. VCF-style (leftmost placement, unchanged base first): chr1-216232130-TA-T. GRCh37 (hg19) VCF-style: chr1-216405472-TA-T.
Other names: c.2815del, p.Tyr939fs (NM_007123.6); short protein forms Y939fs.
Identifiers: ClinVar variation 817432 (VCV000817432.2), dbSNP rs1572074292, ClinGen allele CA915942023.

ClinVar aggregate classification (germline): Pathogenic. Review status: criteria provided, multiple submitters, no conflicts (2 of 4 stars). 2 submissions from 2 submitters: Pathogenic (2). Last evaluated 2024-05-08.

Conditions:
USH2A-related disorder. Also called: USH2A-related condition; USH2A-related disorders. Identifiers: MedGen CN239332.

Submissions (2):

Myriad Genetics, Inc.
Classification: Pathogenic for USH2A-related disorder. Last evaluated: 2024-05-08. Review status: criteria provided, single submitter. Criteria: Myriad Autosomal Dominant, Autosomal Recessive and X-Linked Classification Criteria (2023). Collection method: clinical testing. Allele origin: unknown.
Comment: NM_206933.2(USH2A):c.2815delT(Y939Ifs*28) is expected to be pathogenic in the context of USH2A-related disorders. This variant is predicted to lead to an abnormal or absent protein product due to the creation of a premature termination codon in USH2A, a gene where loss-of-function variants are known to be pathogenic. Please note: this variant was assessed in the context of healthy population screening.

GeneDx
Classification: Pathogenic. Last evaluated: 2019-02-28. Review status: criteria provided, single submitter. Criteria: GeneDx Variant Classification (06012015). Collection method: clinical testing. Allele origin: germline. Affected: yes.
Comment: The c.2815delT variant has not been published as a pathogenic variant, nor has it been reported as a benign variant to our knowledge. It causes a frameshift starting with codon Tyrosine 939, changes this amino acid to an Isoleucine residue and creates a premature Stop codon at position 28 of the new reading frame, denoted p.Tyr939IlefsX28. This variant is predicted to cause loss of normal protein function either through protein truncation or nonsense-mediated mRNA decay. The variant is not observed in large population cohorts (Lek et al., 2016). We interpret this variant as pathogenic.